The following is an entry in ClinVar:

NM_001048174.2(MUTYH):c.1234G>C (p.Gly412Arg)

Gene: MUTYH (mutY DNA glycosylase; minus strand). Cytogenetic location: 1p34.1.
Variant type: single nucleotide variant.
Coding change: c.1234G>C on transcript NM_001048174.2 (MANE Select); coding-DNA position 1234, G replaced by C.
Protein change: p.Gly412Arg; replaces glycine 412 with arginine.
Molecular consequence: missense variant. On other transcripts: non-coding transcript variant (2).
Genome position (GRCh38, 1-based): chr1:45,331,425, C>G on the plus strand (G>C on the coding strand, the complement: MUTYH is on the minus strand). VCF-style: chr1-45331425-C-G. GRCh37 (hg19) VCF-style: chr1-45797097-C-G.
Other names: c.1234G>C, p.Gly412Arg (NM_001048171.2, NM_001048173.2, NM_001293195.2); c.1237G>C, p.Gly413Arg (NM_001048172.2); c.1318G>C, p.Gly440Arg (NM_001128425.2); c.1279G>C, p.Gly427Arg (NM_001293190.2); c.1267G>C, p.Gly423Arg (NM_001293191.2); c.958G>C, p.Gly320Arg (NM_001293192.2, NM_001293196.2); c.889G>C, p.Gly297Arg (NM_001350650.2, NM_001350651.2); c.1309G>C, p.Gly437Arg (NM_012222.3); short protein forms G413R, G437R, G297R, G412R, G440R, G320R, G423R, G427R.
Identifiers: ClinVar variation 924489 (VCV000924489.9), dbSNP rs1644819961, ClinGen allele CA340132834.

ClinVar aggregate classification (germline): Uncertain significance. Review status: criteria provided, multiple submitters, no conflicts (2 of 4 stars). 4 submissions from 4 submitters: Uncertain significance (4). Last evaluated 2025-11-24.

Conditions:
Familial adenomatous polyposis 2. Also called: COLORECTAL ADENOMATOUS POLYPOSIS, AUTOSOMAL RECESSIVE; ADENOMAS, MULTIPLE COLORECTAL, AUTOSOMAL RECESSIVE; FAP type 2; MUTYH-related attenuated familial adenomatous polyposis; Adenomas, multiple colorectal; MYH-associated polyposis. Identifiers: Orphanet 220460, Orphanet 247798, MedGen C3272841, MONDO:0012041, OMIM 608456.
Gastric cancer. Also called: Stomach cancer; Malignant tumor of stomach. Identifiers: MedGen C0024623, MeSH D013274, MONDO:0001056, OMIM 613659, HP:0012126.
Hereditary cancer-predisposing syndrome. Also called: Hereditary neoplastic syndrome; Neoplastic Syndromes, Hereditary; Hereditary Cancer Syndrome; Tumor predisposition. Identifiers: Orphanet 140162, MedGen C0027672, MeSH D009386, MONDO:0015356.

Submissions (4):

Labcorp Genetics (formerly Invitae), Labcorp
Classification: Uncertain significance for Familial adenomatous polyposis 2. Last evaluated: 2025-11-24. Review status: criteria provided, single submitter. Criteria: Invitae Variant Classification Sherloc (09022015). Collection method: clinical testing. Allele origin: germline.
Comment: This sequence change replaces glycine, which is neutral and non-polar, with arginine, which is basic and polar, at codon 440 of the MUTYH protein (p.Gly440Arg). This variant is not present in population databases (gnomAD no frequency). This variant has not been reported in the literature in individuals affected with MUTYH-related conditions. ClinVar contains an entry for this variant (Variation ID: 924489). An algorithm developed to predict the effect of missense changes on protein structure and function (PolyPhen-2) suggests that this variant is likely to be disruptive. In summary, the available evidence is currently insufficient to determine the role of this variant in disease. Therefore, it has been classified as a Variant of Uncertain Significance.

Color Diagnostics, LLC DBA Color Health
Classification: Uncertain significance for Hereditary cancer-predisposing syndrome. Last evaluated: 2024-03-06. Review status: criteria provided, single submitter. Criteria: ACMG Guidelines, 2015. Collection method: clinical testing. Allele origin: germline.
Comment: This missense variant replaces glycine with arginine at codon 440 of the MUTYH protein. Computational prediction is inconclusive regarding the impact of this variant on protein structure and function (internally defined REVEL score threshold 0.5 < inconclusive < 0.7, PMID: 27666373). To our knowledge, functional studies have not been reported for this variant. This variant has not been reported in individuals affected with hereditary cancer in the literature. This variant has not been identified in the general population by the Genome Aggregation Database (gnomAD). The available evidence is insufficient to determine the role of this variant in disease conclusively. Therefore, this variant is classified as a Variant of Uncertain Significance.

Ambry Genetics
Classification: Uncertain significance for Hereditary cancer-predisposing syndrome. Last evaluated: 2023-09-20. Review status: criteria provided, single submitter. Criteria: Ambry Variant Classification Scheme 2023. Collection method: clinical testing. Allele origin: germline.
Comment: The p.G440R variant (also known as c.1318G>C), located in coding exon 13 of the MUTYH gene, results from a G to C substitution at nucleotide position 1318. The glycine at codon 440 is replaced by arginine, an amino acid with dissimilar properties. This amino acid position is conserved. In addition, this alteration is predicted to be deleterious by in silico analysis. Since supporting evidence is limited at this time, the clinical significance of this alteration remains unclear.

Department of Pathology and Laboratory Medicine, Sinai Health System
Classification: Uncertain significance for Familial adenomatous polyposis 2; Gastric cancer. Last evaluated: 2022-11-04. Review status: criteria provided, single submitter. Criteria: ACMG Guidelines, 2015. Collection method: clinical testing. Allele origin: germline. Affected: yes.